The following is an entry in ClinVar:

NM_006180.6(NTRK2):c.382A>C (p.Thr128Pro)

Gene: NTRK2 (neurotrophic receptor tyrosine kinase 2; plus strand). Cytogenetic location: 9q21.33.
Variant type: single nucleotide variant.
Coding change: c.382A>C on transcript NM_006180.6 (MANE Select); coding-DNA position 382, A replaced by C.
Protein change: p.Thr128Pro; replaces threonine 128 with proline.
Molecular consequence: missense variant. On other transcripts: 5 prime UTR variant (5).
Genome position (GRCh38, 1-based): chr9:84,707,866, A>C. VCF-style: chr9-84707866-A-C. GRCh37 (hg19) VCF-style: chr9-87322781-A-C.
Other names: c.382A>C, p.Thr128Pro (NM_001007097.3, NM_001018064.3, NM_001018065.2 and 19 more transcripts); c.-87A>C (NM_001369535.1, NM_001369536.1, NM_001369550.1 and 2 more transcripts); short protein forms T128P.
Identifiers: ClinVar variation 2784866 (VCV002784866.3), dbSNP rs1317048518, ClinGen allele CA374005399.

ClinVar aggregate classification (germline): Uncertain significance (1 of 4 stars; one submission).

Allele frequency attached by ClinVar (database versions not stated): gnomAD exomes below 0.00001.
gnomAD v4.1: 1 of 1,613,120 alleles (0.000062%); highest among the groups gnomAD compares: Non-Finnish European, 0.000085%; no homozygotes.

Submission:

Labcorp Genetics (formerly Invitae), Labcorp
Classification: Uncertain significance. Last evaluated: 2025-05-07. Review status: criteria provided, single submitter. Criteria: Invitae Variant Classification Sherloc (09022015). Collection method: clinical testing. Allele origin: germline.
Comment: This sequence change replaces threonine, which is neutral and polar, with proline, which is neutral and non-polar, at codon 128 of the NTRK2 protein (p.Thr128Pro). This variant is present in population databases (no rsID available, gnomAD 0.0009%). This variant has not been reported in the literature in individuals affected with NTRK2-related conditions. ClinVar contains an entry for this variant (Variation ID: 2784866). Invitae Evidence Modeling of protein sequence and biophysical properties (such as structural, functional, and spatial information, amino acid conservation, physicochemical variation, residue mobility, and thermodynamic stability) indicates that this missense variant is not expected to disrupt NTRK2 protein function with a negative predictive value of 80%. In summary, the available evidence is currently insufficient to determine the role of this variant in disease. Therefore, it has been classified as a Variant of Uncertain Significance.